The following is an entry in ClinVar:

ClinVar aggregate classification (germline): Likely benign (1 of 4 stars; one submission).

Conditions:
KIRREL1-related disorder. Also called: KIRREL1-related condition.

Submission:

PreventionGenetics, part of Exact Sciences
Classification: Likely benign for KIRREL1-related condition. Last evaluated: 2025-04-13. Review status: criteria provided, single submitter. Criteria: ACMG Guidelines, 2015. Collection method: clinical testing. Allele origin: germline.
Comment: This variant is classified as likely benign based on ACMG/AMP sequence variant interpretation guidelines (Richards et al. 2015 PMID: 25741868, with internal and published modifications).

NM_018240.7(KIRREL1):c.15C>T (p.Leu5=)

Gene: KIRREL1 (kirre like nephrin family adhesion molecule 1; plus strand). Cytogenetic location: 1q23.1.
Variant type: single nucleotide variant.
Coding change: c.15C>T on transcript NM_018240.7 (MANE Select); coding-DNA position 15, C replaced by T.
Protein change: p.Leu5=; no amino-acid change (leucine 5 retained).
Molecular consequence: synonymous variant.
Genome position (GRCh38, 1-based): chr1:157,993,691, C>T. VCF-style: chr1-157993691-C-T. GRCh37 (hg19) VCF-style: chr1-157963481-C-T.
Other names: c.15C>T, p.Leu5= (NM_001286349.2).
Identifiers: ClinVar variation 4980824 (VCV004980824.1).